The following is an entry in ClinVar:

ClinVar aggregate classification (germline): Uncertain significance (1 of 4 stars; one submission).

gnomAD v4.1: 77 of 1,613,162 alleles (0.0048%); highest among the groups gnomAD compares: African/African-American, 0.011%; no homozygotes.

Submission:

Labcorp Genetics (formerly Invitae), Labcorp
Classification: Uncertain significance. Last evaluated: 2024-03-21. Review status: criteria provided, single submitter. Criteria: Invitae Variant Classification Sherloc (09022015). Collection method: clinical testing. Allele origin: germline.
Comment: This sequence change replaces arginine, which is basic and polar, with glutamine, which is neutral and polar, at codon 571 of the EPHA4 protein (p.Arg571Gln). This variant is present in population databases (rs781128122, gnomAD 0.03%). This variant has not been reported in the literature in individuals affected with EPHA4-related conditions. Advanced modeling of protein sequence and biophysical properties (such as structural, functional, and spatial information, amino acid conservation, physicochemical variation, residue mobility, and thermodynamic stability) has been performed at Invitae for this missense variant, however the output from this modeling did not meet the statistical confidence thresholds required to predict the impact of this variant on EPHA4 protein function. In summary, the available evidence is currently insufficient to determine the role of this variant in disease. Therefore, it has been classified as a Variant of Uncertain Significance.

NM_004438.5(EPHA4):c.1712G>A (p.Arg571Gln)

Gene: EPHA4 (EPH receptor A4; minus strand). Cytogenetic location: 2q36.1.
Variant type: single nucleotide variant.
Coding change: c.1712G>A on transcript NM_004438.5 (MANE Select); coding-DNA position 1712, G replaced by A.
Protein change: p.Arg571Gln; replaces arginine 571 with glutamine.
Molecular consequence: missense variant.
Genome position (GRCh38, 1-based): chr2:221,455,550, C>T on the plus strand (G>A on the coding strand, the complement: EPHA4 is on the minus strand). VCF-style: chr2-221455550-C-T. GRCh37 (hg19) VCF-style: chr2-222320270-C-T.
Other names: c.1712G>A, p.Arg571Gln (NM_001304536.2, NM_001363748.2); c.1559G>A, p.Arg520Gln (NM_001304537.2); short protein forms R571Q, R520Q.
Identifiers: ClinVar variation 3720416 (VCV003720416.2).